The following is an entry in ClinVar:

ClinVar aggregate classification (germline): Pathogenic (1 of 4 stars; one submission).

Conditions:
Recessive dystrophic epidermolysis bullosa (RDEB). Also called: DYSTROPHIC EPIDERMOLYSIS BULLOSA, AUTOSOMAL RECESSIVE; EPIDERMOLYSIS BULLOSA DYSTROPHICA, HALLOPEAU-SIEMENS TYPE; Hallopeau-Siemens Disease; severe generalized recessive dystrophic epidermolysis bullosa; EPIDERMOLYSIS BULLOSA DYSTROPHICA, GENERALIZED SEVERE, AUTOSOMAL RECESSIVE; Epidermolysis Bullosa Distrophica Autosomal Recessive (RDEB). Identifiers: Orphanet 79408, Orphanet 79409, MedGen C0079474, MONDO:0009179, OMIM 226600.

Submission:

Myriad Genetics, Inc.
Classification: Pathogenic for Recessive dystrophic epidermolysis bullosa. Last evaluated: 2026-03-21. Review status: criteria provided, single submitter. Criteria: Myriad Autosomal Dominant, Autosomal Recessive and X-Linked Classification Criteria (2023). Collection method: clinical testing. Allele origin: unknown.
Comment: NM_000094.3(COL7A1):c.2224G>T(G742*) is expected to be pathogenic in the context of dystrophic epidermolysis bullosa. This variant is predicted to lead to an abnormal or absent protein product due to the creation of a premature termination codon in COL7A1, a gene where loss-of-function variants are known to be pathogenic. Please note: this variant was assessed in the context of healthy population screening.

NM_000094.4(COL7A1):c.2224G>T (p.Gly742Ter)

Gene: COL7A1 (collagen type VII alpha 1 chain; minus strand). Cytogenetic location: 3p21.31.
Variant type: single nucleotide variant.
Coding change: c.2224G>T on transcript NM_000094.4 (MANE Select); coding-DNA position 2224, G replaced by T.
Protein change: p.Gly742Ter; replaces glycine 742 with a stop codon.
Molecular consequence: nonsense.
Genome position (GRCh38, 1-based): chr3:48,589,417, C>A on the plus strand (G>T on the coding strand, the complement: COL7A1 is on the minus strand). VCF-style: chr3-48589417-C-A. GRCh37 (hg19) VCF-style: chr3-48626850-C-A.
Other names: short protein forms G742*.
Identifiers: ClinVar variation 5015705 (VCV005015705.1).